The following is an entry in ClinVar:

NM_206933.4(USH2A):c.14254G>A (p.Val4752Met)

Gene: USH2A (usherin; minus strand). Cytogenetic location: 1q41.
Variant type: single nucleotide variant.
Coding change: c.14254G>A on transcript NM_206933.4 (MANE Select); coding-DNA position 14254, G replaced by A.
Protein change: p.Val4752Met; replaces valine 4752 with methionine.
Molecular consequence: missense variant.
Genome position (GRCh38, 1-based): chr1:215,650,681, C>T on the plus strand (G>A on the coding strand, the complement: USH2A is on the minus strand). VCF-style: chr1-215650681-C-T. GRCh37 (hg19) VCF-style: chr1-215824023-C-T.
Other names: short protein forms V4752M.
Identifiers: ClinVar variation 505234 (VCV000505234.5), dbSNP rs770161970, ClinGen allele CA1393082.

ClinVar aggregate classification (germline): Uncertain significance (1 of 4 stars; one submission).

gnomAD v4.1: 8 of 1,613,980 alleles (0.0005%); highest among the groups gnomAD compares: South Asian, 0.0044%; no homozygotes.

Submission:

Laboratory for Molecular Medicine, Mass General Brigham Personalized Medicine
Classification: Uncertain significance. Last evaluated: 2016-07-19. Review status: criteria provided, single submitter. Criteria: LMM Criteria. Collection method: clinical testing. Allele origin: germline. Observed: 1 variant allele.
Comment: The p.Val4752Met variant in USH2A has not been previously reported in individual s with hearing loss or Usher syndrome. It has been identified in 1/16508 South Asian chromosomes by the Exome Aggregation Consortium (ExAC; dbSNP rs770161970); however, its frequency is not high enough to ru le out a pathogenic role. Computational prediction tools and conservation analys es do not provide strong support for or against an impact to the protein. In sum mary, the clinical significance of the p.Val4752Met variant is uncertain.